The following is an entry in ClinVar:

NC_000010.10:g.(?_112768986)_(112771576_?)del

Gene: SHOC2 (SHOC2 leucine rich repeat scaffold protein; plus strand). Cytogenetic location: 10q25.2.
Variant type: Deletion.
Identifiers: ClinVar variation 3244920 (VCV003244920.1).

ClinVar aggregate classification (germline): Uncertain significance (1 of 4 stars; one submission).

Conditions:
RASopathy. Also called: Noonan spectrum disorder; rasopathies. Identifiers: Orphanet 536391, MedGen C5555857, MONDO:0021060.

Submission:

Labcorp Genetics (formerly Invitae), Labcorp
Classification: Uncertain significance for RASopathy. Last evaluated: 2023-12-27. Review status: criteria provided, single submitter. Criteria: Invitae Variant Classification Sherloc (09022015). Collection method: clinical testing. Allele origin: unknown.
Comment: This variant is a gross deletion of the genomic region encompassing exon(s) 7-9 of the SHOC2 gene, which includes the termination codon. This deletion extends beyond the assayed region for this gene and therefore may encompass additional genes. While this deletion is not anticipated to lead to nonsense mediated decay, it is expected to alter mRNA translation or result in a truncated protein product. This variant has not been reported in the literature in individuals affected with SHOC2-related conditions. Experimental studies and prediction algorithms are not available or were not evaluated, and the functional significance of this variant is currently unknown. In summary, the available evidence is currently insufficient to determine the role of this variant in disease. Therefore, it has been classified as a Variant of Uncertain Significance.